The following is an entry in ClinVar:

NM_001165963.4(SCN1A):c.2213G>A (p.Trp738Ter)

Gene: SCN1A (sodium voltage-gated channel alpha subunit 1; minus strand). Cytogenetic location: 2q24.3.
Variant type: single nucleotide variant.
Coding change: c.2213G>A on transcript NM_001165963.4 (MANE Select); coding-DNA position 2213, G replaced by A.
Protein change: p.Trp738Ter; replaces tryptophan 738 with a stop codon.
Molecular consequence: nonsense. On other transcripts: 5 prime UTR variant (1), non-coding transcript variant (1).
Genome position (GRCh38, 1-based): chr2:166,041,433, C>T on the plus strand (G>A on the coding strand, the complement: SCN1A is on the minus strand). VCF-style: chr2-166041433-C-T. GRCh37 (hg19) VCF-style: chr2-166897943-C-T.
Other names: c.2129G>A, p.Trp710Ter (NM_001165964.3, NM_001353957.2, NM_001353958.2); c.2213G>A, p.Trp738Ter (NM_001202435.3, NM_001353948.2); c.2180G>A, p.Trp727Ter (NM_001353949.2, NM_001353950.2, NM_001353951.2 and 2 more transcripts); c.2177G>A, p.Trp726Ter (NM_001353954.2, NM_001353955.2); c.2126G>A, p.Trp709Ter (NM_001353960.2); c.-246G>A (NM_001353961.2); short protein forms W727*, W738*, W726*, W709*, W710*.
Identifiers: ClinVar variation 189969 (VCV000189969.7), dbSNP rs794726742, ClinGen allele CA303442.

ClinVar aggregate classification (germline): Pathogenic. Review status: criteria provided, multiple submitters, no conflicts (2 of 4 stars). 3 submissions from 3 submitters: Pathogenic (3). Last evaluated 2024-02-08.

Conditions:
Early-infantile DEE. Also called: Early infantile epileptic encephalopathy; Ohtahara syndrome; Early infantile epileptic encephalopathy with suppression bursts. Identifiers: Orphanet 1934, MedGen C0393706, MONDO:0800491.
Severe myoclonic epilepsy in infancy (DRVT). Also called: Epileptic encephalopathy, early infantile, 6 (Dravet syndrome); SEVERE MYOCLONIC EPILEPSY OF INFANCY; DEVELOPMENTAL AND EPILEPTIC ENCEPHALOPATHY 6A; Severe Myoclonic Epilepsy in Infancy (SMEI); Dravet syndrome. Identifiers: Orphanet 33069, MedGen C0751122, MONDO:0100135, OMIM 607208.

Submissions (3):

Labcorp Genetics (formerly Invitae), Labcorp
Classification: Pathogenic for Early-infantile DEE. Last evaluated: 2024-02-08. Review status: criteria provided, single submitter. Criteria: Invitae Variant Classification Sherloc (09022015). Collection method: clinical testing. Allele origin: germline.
Comment: This sequence change creates a premature translational stop signal (p.Trp738*) in the SCN1A gene. It is expected to result in an absent or disrupted protein product. Loss-of-function variants in SCN1A are known to be pathogenic (PMID: 17347258, 18930999). This variant is not present in population databases (gnomAD no frequency). This premature translational stop signal has been observed in individual(s) with SCN1A-related conditions (PMID: 34379890). ClinVar contains an entry for this variant (Variation ID: 189969). For these reasons, this variant has been classified as Pathogenic.

GeneDx
Classification: Pathogenic. Last evaluated: 2018-01-11. Review status: criteria provided, single submitter. Criteria: GeneDx Variant Classification (06012015). Collection method: clinical testing. Allele origin: germline. Affected: yes.
Comment: The W738X variant in the SCN1A gene has not been published as a pathogenic variant, nor has itbeen reported as a benign variant to our knowledge. A different nucleotide substitution at this position, resulting in a W738L missense variant, has been previously reported in a patient with Dravet syndrome; however, no other information was provided (Xu et al., 2014). The W738X nonsense variant is predicted to cause loss of normal protein function either through protein truncation or nonsense-mediated mRNA decay. Additionally, the W738X variant is not observed in large population cohorts (Lek et al., 2016). Therefore, we interpret W738X as a pathogenic variant, and its presence is consistent with the diagnosis of an SCN1A-related disorder in this individual.

Center for Bioinformatics, Peking University
Classification: Pathogenic for Dravet syndrome. Last evaluated: 2014-12-20. Review status: criteria provided, single submitter. Criteria: Xu et al. (Hum Mutat. 2015). Collection method: research. Allele origin: de novo. Affected: yes. Observed: 1 variant allele. Study: University Clinical Cooperation “985 Project” PKU-2014-1-1.
Comment: Dravet syndrome (DS) probands were recruited from the outpatient and inpatient child neurology units of Peking University First Hospital from 2005 till present. The study was approved by the Ethics Committee of Peking University First Hospital and the Institutional Review Board at Peking University. Participants or their parents provided written informed consent before enrollment. We collected a total of 267 mutations from 255 families with probands diagnosed with DS in China. All probands fulfilled the clinical diagnostic criteria.

Literature cited by the submitters: PubMed 17347258 (cited by Labcorp Genetics (formerly Invitae), Labcorp); PubMed 18930999 (cited by Labcorp Genetics (formerly Invitae), Labcorp); PubMed 34379890 (cited by Labcorp Genetics (formerly Invitae), Labcorp).